The following is an entry in ClinVar:

ClinVar aggregate classification (germline): Uncertain significance (1 of 4 stars; one submission).

Allele frequency attached by ClinVar (database versions not stated): gnomAD exomes 0.00001.
gnomAD v4.1: 3 of 1,614,134 alleles (0.00019%); highest among the groups gnomAD compares: South Asian, 0.0033%; 1 homozygote.

Submission:

Labcorp Genetics (formerly Invitae), Labcorp
Classification: Uncertain significance. Last evaluated: 2021-08-09. Review status: criteria provided, single submitter. Criteria: Invitae Variant Classification Sherloc (09022015). Collection method: clinical testing. Allele origin: germline.
Comment: In summary, the available evidence is currently insufficient to determine the role of this variant in disease. Therefore, it has been classified as a Variant of Uncertain Significance. Algorithms developed to predict the effect of sequence changes on RNA splicing suggest that this variant may create or strengthen a splice site. Algorithms developed to predict the effect of missense changes on protein structure and function output the following: SIFT: "Tolerated"; PolyPhen-2: "Benign"; Align-GVGD: "Class C0". The arginine amino acid residue is found in multiple mammalian species, which suggests that this missense change does not adversely affect protein function. This variant has not been reported in the literature in individuals affected with RTN4IP1-related conditions. This variant is not present in population databases (ExAC no frequency). This sequence change replaces lysine with arginine at codon 111 of the RTN4IP1 protein (p.Lys111Arg). The lysine residue is weakly conserved and there is a small physicochemical difference between lysine and arginine.

NM_032730.5(RTN4IP1):c.332A>G (p.Lys111Arg)

Gene: RTN4IP1 (reticulon 4 interacting protein 1; minus strand). Cytogenetic location: 6q21.
Variant type: single nucleotide variant.
Coding change: c.332A>G on transcript NM_032730.5 (MANE Select); coding-DNA position 332, A replaced by G.
Protein change: p.Lys111Arg; replaces lysine 111 with arginine.
Molecular consequence: missense variant.
Genome position (GRCh38, 1-based): chr6:106,622,912, T>C on the plus strand (A>G on the coding strand, the complement: RTN4IP1 is on the minus strand). VCF-style: chr6-106622912-T-C. GRCh37 (hg19) VCF-style: chr6-107070787-T-C.
Other names: c.32A>G, p.Lys11Arg (NM_001318746.1); short protein forms K111R, K11R.
Identifiers: ClinVar variation 1373759 (VCV001373759.6), dbSNP rs2114682020, ClinGen allele CA365166167.